The following is an entry in ClinVar:

NM_005909.5(MAP1B):c.895C>T (p.Arg299Ter)

Gene: MAP1B (microtubule associated protein 1B; plus strand). Cytogenetic location: 5q13.2.
Variant type: single nucleotide variant.
Coding change: c.895C>T on transcript NM_005909.5 (MANE Select); coding-DNA position 895, C replaced by T.
Protein change: p.Arg299Ter; replaces arginine 299 with a stop codon.
Molecular consequence: nonsense.
Genome position (GRCh38, 1-based): chr5:72,194,250, C>T. VCF-style: chr5-72194250-C-T. GRCh37 (hg19) VCF-style: chr5-71490077-C-T.
Other names: c.517C>T, p.Arg173Ter (NM_001324255.2); short protein forms R173*, R299*.
Identifiers: ClinVar variation 2574245 (VCV002574245.6), dbSNP rs146324682, ClinGen allele CA120032087.
Genomic context (GRCh38, chr5:72,194,250, plus strand): 5'-GGTTTCAATATGCTCATCAATGGCGGATCAGAGAGAAAATCCTGCTTCTGGAAGCTCATC[C>T]GACACTTAGACCGAGTGGACTCCATCCTGCTCACCCACATTGGGGATGACAATTTGCCTG-3'

ClinVar aggregate classification (germline): Conflicting classifications of pathogenicity. Review status: criteria provided, conflicting classifications (1 of 4 stars). 3 submissions from 3 submitters: Pathogenic (2); Uncertain significance (1). Last evaluated 2025-11-11.

Conditions:
Periventricular nodular heterotopia 9. Identifiers: MedGen C5394503, MONDO:0030061, OMIM 618918.

Allele frequency attached by ClinVar (database versions not stated): gnomAD 0.00001.

Submissions (3):

Institute of Human Genetics, University of Leipzig Medical Center
Classification: Pathogenic for Periventricular nodular heterotopia 9. Last evaluated: 2025-11-11. Review status: criteria provided, single submitter. Criteria: ACMG Guidelines, 2015. Collection method: clinical testing. Allele origin: maternal. Inheritance: Autosomal dominant inheritance. Affected: yes.
Comment: Criteria applied: PVS1,PS2_SUP,PM2_SUP

GeneDx
Classification: Pathogenic. Last evaluated: 2025-04-14. Review status: criteria provided, single submitter. Criteria: GeneDx Variant Classification Process June 2021. Collection method: clinical testing. Allele origin: germline. Affected: yes.
Comment: Nonsense variant predicted to result in protein truncation or nonsense mediated decay in a gene for which loss of function is a known mechanism of disease; Not observed at significant frequency in large population cohorts (gnomAD); Has not been previously published as pathogenic or benign to our knowledge

Blueprint Genetics
Classification: Uncertain significance. Last evaluated: 2021-12-22. Review status: criteria provided, single submitter. Criteria: ACMG Guidelines, 2015. Collection method: clinical testing. Allele origin: germline.